The following is an entry in ClinVar:

NM_000090.4(COL3A1):c.2481_2482del (p.Ala829fs)

Gene: COL3A1 (collagen type III alpha 1 chain; plus strand). Cytogenetic location: 2q32.2.
Variant type: Microsatellite.
Coding change: c.2481_2482del on transcript NM_000090.4 (MANE Select); coding-DNA positions 2481 to 2482, 2 bases deleted (AG; older notation c.2481_2482delAG).
Protein change: p.Ala829fs; shifts the reading frame from alanine 829.
Molecular consequence: frameshift variant.
Genome position (GRCh38, 1-based): chr2:189,002,990-189,002,991, AG deleted; deleting any 2 consecutive bases within chr2:189,002,988-189,002,991 gives the same sequence; the c. name uses the placement nearest the transcript's 3' end. VCF-style (leftmost placement, unchanged base first): chr2-189002987-AAG-A. GRCh37 (hg19) VCF-style: chr2-189867713-AAG-A.
Other names: short protein forms A829fs.
Identifiers: ClinVar variation 4726989 (VCV004726989.1).
Genomic context (GRCh38, chr2:189,002,987, plus strand): 5'-GAGAGATTGCTGTTGTTGTTGCATGTAGGGACAGAATGGTGAACCTGGTGGTAAAGGAGA[AAG>A]AGGGGCTCCGGGTGAGAAAGGTGAAGGAGGCCCTCCTGGAGTTGCAGGACCCCCTGGAGG-3'

ClinVar aggregate classification (germline): Pathogenic (1 of 4 stars; one submission).

Conditions:
Ehlers-Danlos syndrome, type 4 (EDSVASC). Also called: Ehlers-Danlos syndrome vascular type; Ehlers Danlos syndrome, ecchymotic type; Ehlers Danlos syndrome, arterial type; Ehlers Danlos syndrome, Sack-Barabas type; Ehlers-Danlos Syndrome Type IV. Identifiers: Orphanet 286, MedGen C0268338, MONDO:0017314, OMIM 130050.

Submission:

Labcorp Genetics (formerly Invitae), Labcorp
Classification: Pathogenic for Ehlers-Danlos syndrome, type 4. Last evaluated: 2026-01-02. Review status: criteria provided, single submitter. Criteria: Invitae Variant Classification Sherloc (09022015). Collection method: clinical testing. Allele origin: germline.
Comment: This sequence change creates a premature translational stop signal (p.Ala829Serfs*3) in the COL3A1 gene. It is expected to result in an absent or disrupted protein product. Loss-of-function variants in COL3A1 are known to be pathogenic (PMID: 24922459). This variant is not present in population databases (gnomAD no frequency). This variant has not been reported in the literature in individuals affected with COL3A1-related conditions. For these reasons, this variant has been classified as Pathogenic.

Literature cited by the submitters: PubMed 24922459.